The following is an entry in ClinVar:

ClinVar aggregate classification (germline): Pathogenic (1 of 4 stars; one submission).

Conditions:
Osteogenesis imperfecta type I (OI1). Also called: OI, TYPE I; OSTEOGENESIS IMPERFECTA TARDA; OSTEOGENESIS IMPERFECTA WITH BLUE SCLERAE; Osteogenesis imperfecta type 1; Lobstein's Disease; Lobstein disease. Identifiers: Orphanet 216796, Orphanet 666, MedGen C0023931, MONDO:0008146, OMIM 166200. Disease mechanism: loss of function.

Submission:

Laboratory of Genetic Skeletal Anomaly, Seoul National University Children's Hospital
Classification: Pathogenic for Osteogenesis imperfecta type I. Last evaluated: 2025-03-01. Review status: criteria provided, single submitter. Criteria: ACMG Guidelines, 2015. Collection method: research. Allele origin: germline. Affected: yes.
Comment: This variant is a novel variant not previously reported in the literature or population databases. It was classified based on available in silico predictions and absence from gnomAD.

NM_000088.4(COL1A1):c.2919_2926del (p.Gly974fs)

Gene: COL1A1 (collagen type I alpha 1 chain; minus strand). Cytogenetic location: 17q21.33.
Variant type: Deletion.
Coding change: c.2919_2926del on transcript NM_000088.4 (MANE Select); coding-DNA positions 2919 to 2926, 8 bases deleted (TGGTCTTC; older notation c.2919_2926delTGGTCTTC).
Protein change: p.Gly974fs; shifts the reading frame from glycine 974.
Molecular consequence: frameshift variant.
Genome position (GRCh38, 1-based): chr17:50,189,179-50,189,186, GAAGACCA deleted on the plus strand (TGGTCTTC on the coding strand, the reverse complement: COL1A1 is on the minus strand); deleting any 8 consecutive bases within chr17:50,189,179-50,189,187 gives the same sequence; the c. name uses the placement nearest the transcript's 3' end. VCF-style (leftmost placement, unchanged base first): chr17-50189178-GGAAGACCA-G. GRCh37 (hg19) VCF-style: chr17-48266539-GGAAGACCA-G.
Other names: c.2919_2926delTGGTCTTC (NM_000088.4); short protein forms G974fs.
Identifiers: ClinVar variation 4280701 (VCV004280701.1).